The following is an entry in ClinVar:

ClinVar aggregate classification (germline): Uncertain significance. Review status: criteria provided, multiple submitters, no conflicts (2 of 4 stars). 2 submissions from 2 submitters: Uncertain significance (2). Last evaluated 2025-12-16.

Conditions:
NLRP12-related disorder. Also called: NLRP12-related condition; NLRP12-related conditions.
Familial cold autoinflammatory syndrome 2 (FCAS2). Identifiers: Orphanet 247868, MedGen C2673198, MONDO:0012724, OMIM 611762.

Allele frequency attached by ClinVar (database versions not stated): ExAC 0.00002; gnomAD exomes 0.00002; gnomAD 0.00003; TOPMed 0.00003.

Submissions (2):

Labcorp Genetics (formerly Invitae), Labcorp
Classification: Uncertain significance for Familial cold autoinflammatory syndrome 2. Last evaluated: 2025-12-16. Review status: criteria provided, single submitter. Criteria: Invitae Variant Classification Sherloc (09022015). Collection method: clinical testing. Allele origin: germline.
Comment: This sequence change replaces glutamic acid, which is acidic and polar, with lysine, which is basic and polar, at codon 208 of the NLRP12 protein (p.Glu208Lys). This variant is present in population databases (rs751219722, gnomAD 0.007%). This variant has not been reported in the literature in individuals affected with NLRP12-related conditions. ClinVar contains an entry for this variant (Variation ID: 650102). Invitae Evidence Modeling of protein sequence and biophysical properties (such as structural, functional, and spatial information, amino acid conservation, physicochemical variation, residue mobility, and thermodynamic stability) indicates that this missense variant is not expected to disrupt NLRP12 protein function with a negative predictive value of 80%. In summary, the available evidence is currently insufficient to determine the role of this variant in disease. Therefore, it has been classified as a Variant of Uncertain Significance.

PreventionGenetics, part of Exact Sciences
Classification: Uncertain significance for NLRP12-related condition. Last evaluated: 2025-02-07. Review status: criteria provided, single submitter. Criteria: ACMG Guidelines, 2015. Collection method: clinical testing. Allele origin: germline.
Comment: The NLRP12 c.622G>A variant is predicted to result in the amino acid substitution p.Glu208Lys. To our knowledge, this variant has not been reported in the literature. This variant is reported in 0.0065% of alleles in individuals of South Asian descent in gnomAD. At this time, the clinical significance of this variant is uncertain due to the absence of conclusive functional and genetic evidence.

NM_144687.4(NLRP12):c.622G>A (p.Glu208Lys)

Gene: NLRP12 (NLR family pyrin domain containing 12; minus strand). Cytogenetic location: 19q13.42.
Variant type: single nucleotide variant.
Coding change: c.622G>A on transcript NM_144687.4 (MANE Select); coding-DNA position 622, G replaced by A.
Protein change: p.Glu208Lys; replaces glutamic acid 208 with lysine.
Molecular consequence: missense variant.
Genome position (GRCh38, 1-based): chr19:53,811,037, C>T on the plus strand (G>A on the coding strand, the complement: NLRP12 is on the minus strand). VCF-style: chr19-53811037-C-T. GRCh37 (hg19) VCF-style: chr19-54314291-C-T.
Other names: c.622G>A, p.Glu208Lys (NM_001277126.2, NM_001277129.1); short protein forms E208K.
Identifiers: ClinVar variation 650102 (VCV000650102.12), dbSNP rs751219722, ClinGen allele CA9639654.